The following is an entry in ClinVar:

ClinVar aggregate classification (germline): Uncertain significance (1 of 4 stars; one submission).

Submission:

Women's Health and Genetics/Laboratory Corporation of America, LabCorp
Classification: Uncertain significance. Last evaluated: 2024-05-02. Review status: criteria provided, single submitter. Criteria: LabCorp Variant Classification Summary - May 2015. Collection method: clinical testing. Allele origin: germline.
Comment: Variant summary: PARS2 c.1A>G (p.Met1Val) alters the initiation codon and is predicted to result either in absence of the protein or truncation of the encoded protein due to translation initiation at a downstream codon. The next downstream putative in-frame start codon is located at p.Met74 in exon 2 of the PARS2 gene. To our knowledge no other pathogenic variants has been reported upstream of this alternate codon. Two of three in-silico tools predict a benign effect of the variant on protein function. The variant was absent in 226176 control chromosomes (gnomAD). The available data on variant occurrences in the general population are insufficient to allow any conclusion about variant significance. To our knowledge, no occurrence of c.1A>G in individuals affected with Developmental And Epileptic Encephalopathy 75 and no experimental evidence demonstrating its impact on protein function have been reported. No submitters have cited clinical-significance assessments for this variant to ClinVar. Based on the evidence outlined above, the variant was classified as uncertain significance.

NM_152268.4(PARS2):c.1A>G (p.Met1Val)

Gene: PARS2 (prolyl-tRNA synthetase 2, mitochondrial; minus strand). Cytogenetic location: 1p32.3.
Variant type: single nucleotide variant.
Coding change: c.1A>G on transcript NM_152268.4 (MANE Select); coding-DNA position 1, A replaced by G.
Protein change: p.Met1Val; changes the start codon (methionine 1).
Molecular consequence: missense variant, initiator codon variant.
Genome position (GRCh38, 1-based): chr1:54,759,161, T>C on the plus strand (A>G on the coding strand, the complement: PARS2 is on the minus strand). VCF-style: chr1-54759161-T-C. GRCh37 (hg19) VCF-style: chr1-55224834-T-C.
Other names: short protein forms M1V.
Identifiers: ClinVar variation 3336244 (VCV003336244.1).